The following is an entry in ClinVar:

NM_000264.5(PTCH1):c.1930C>A (p.Pro644Thr)

Genes: PTCH1 (patched 1; minus strand), LOC100507346 (uncharacterized LOC100507346; plus strand). Cytogenetic location: 9q22.32.
Variant type: single nucleotide variant.
Coding change: c.1930C>A on transcript NM_000264.5 (MANE Select); coding-DNA position 1930, C replaced by A.
Protein change: p.Pro644Thr; replaces proline 644 with threonine.
Molecular consequence: missense variant. On other transcripts: non-coding transcript variant (2).
Genome position (GRCh38, 1-based): chr9:95,469,071, G>T on the plus strand (C>A on the coding strand, the complement: PTCH1 is on the minus strand). VCF-style: chr9-95469071-G-T. GRCh37 (hg19) VCF-style: chr9-98231353-G-T.
Other names: c.1732C>A, p.Pro578Thr (NM_001083602.3); c.1927C>A, p.Pro643Thr (NM_001083603.3); c.1477C>A, p.Pro493Thr (NM_001083604.3, NM_001083605.3, NM_001083606.3 and 1 more transcripts); c.1774C>A, p.Pro592Thr (NM_001354918.2); short protein forms P592T, P578T, P493T, P643T, P644T.
Identifiers: ClinVar variation 1400586 (VCV001400586.10), dbSNP rs1840312910, ClinGen allele CA374116026.

ClinVar aggregate classification (germline): Uncertain significance. Review status: criteria provided, multiple submitters, no conflicts (2 of 4 stars). 2 submissions from 2 submitters: Uncertain significance (2). Last evaluated 2025-10-07.

Conditions:
Hereditary cancer-predisposing syndrome. Also called: Neoplastic Syndromes, Hereditary; Hereditary neoplastic syndrome; Hereditary Cancer Syndrome; Tumor predisposition. Identifiers: Orphanet 140162, MedGen C0027672, MeSH D009386, MONDO:0015356.
Gorlin syndrome. Also called: Nevoid Basal Cell Carcinoma Syndrome; Basal cell nevus syndrome. Identifiers: Orphanet 377, MedGen C0004779, MONDO:0007187.

gnomAD v4.1: 1 of 1,614,116 alleles (0.000062%); highest among the groups gnomAD compares: Admixed American, 0.0017%; no homozygotes.

Submissions (2):

Labcorp Genetics (formerly Invitae), Labcorp
Classification: Uncertain significance for Gorlin syndrome. Last evaluated: 2025-10-07. Review status: criteria provided, single submitter. Criteria: Invitae Variant Classification Sherloc (09022015). Collection method: clinical testing. Allele origin: germline.
Comment: This sequence change replaces proline, which is neutral and non-polar, with threonine, which is neutral and polar, at codon 644 of the PTCH1 protein (p.Pro644Thr). This variant is not present in population databases (gnomAD no frequency). This variant has not been reported in the literature in individuals affected with PTCH1-related conditions. ClinVar contains an entry for this variant (Variation ID: 1400586). Invitae Evidence Modeling of protein sequence and biophysical properties (such as structural, functional, and spatial information, amino acid conservation, physicochemical variation, residue mobility, and thermodynamic stability) indicates that this missense variant is not expected to disrupt PTCH1 protein function with a negative predictive value of 95%. In summary, the available evidence is currently insufficient to determine the role of this variant in disease. Therefore, it has been classified as a Variant of Uncertain Significance.

Ambry Genetics
Classification: Uncertain significance for Hereditary cancer-predisposing syndrome. Last evaluated: 2020-12-15. Review status: criteria provided, single submitter. Criteria: Ambry Variant Classification Scheme 2023. Collection method: clinical testing. Allele origin: germline.
Comment: The p.P644T variant (also known as c.1930C>A), located in coding exon 14 of the PTCH1 gene, results from a C to A substitution at nucleotide position 1930. The proline at codon 644 is replaced by threonine, an amino acid with highly similar properties. This amino acid position is well conserved in available vertebrate species. In addition, the in silico prediction for this alteration is inconclusive. Since supporting evidence is limited at this time, the clinical significance of this alteration remains unclear.